The following is an entry in ClinVar:

NM_004415.4(DSP):c.1405T>G (p.Tyr469Asp)

Gene: DSP (desmoplakin; plus strand). Cytogenetic location: 6p24.3.
Variant type: single nucleotide variant.
Coding change: c.1405T>G on transcript NM_004415.4 (MANE Select); coding-DNA position 1405, T replaced by G.
Protein change: p.Tyr469Asp; replaces tyrosine 469 with aspartic acid.
Molecular consequence: missense variant.
Genome position (GRCh38, 1-based): chr6:7,568,575, T>G. VCF-style: chr6-7568575-T-G. GRCh37 (hg19) VCF-style: chr6-7568808-T-G.
Other names: c.1405T>G, p.Tyr469Asp (NM_001008844.3, NM_001319034.2, NM_001406591.1); short protein forms Y469D.
Identifiers: ClinVar variation 3392551 (VCV003392551.1).

ClinVar aggregate classification (germline): Uncertain significance (1 of 4 stars; one submission).

Conditions:
Cardiomyopathy, dilated, with wooly hair, keratoderma, and tooth agenesis. Also called: Cardiomyopathy, dilated, with woolly hair, keratoderma, and tooth agenesis; Erythrokeratodermia-cardiomyopathy syndrome. Identifiers: Orphanet 476096, Orphanet 65282, MedGen C4014393, MONDO:0014355, OMIM 615821.

Submission:

MVZ Medizinische Genetik Mainz
Classification: Uncertain significance for Cardiomyopathy, dilated, with wooly hair, keratoderma, and tooth agenesis. Last evaluated: 2024-11-28. Review status: criteria provided, single submitter. Criteria: UK Practice Guidelines For Variant Classification V4 01 2020. Collection method: clinical testing. Allele origin: germline. Inheritance: Autosomal dominant inheritance. Affected: yes. Observed: 1 variant allele.
Comment: ACMG Criteria: PP3_MOD,PM2_SUP